The following is an entry in ClinVar:

NM_004933.3(CDH15):c.387A>G (p.Gly129=)

Gene: CDH15 (cadherin 15; plus strand). Cytogenetic location: 16q24.3.
Variant type: single nucleotide variant.
Coding change: c.387A>G on transcript NM_004933.3 (MANE Select); coding-DNA position 387, A replaced by G.
Protein change: p.Gly129=; no amino-acid change (glycine 129 retained).
Molecular consequence: synonymous variant.
Genome position (GRCh38, 1-based): chr16:89,183,577, A>G. VCF-style: chr16-89183577-A-G. GRCh37 (hg19) VCF-style: chr16-89249985-A-G.
Identifiers: ClinVar variation 128652 (VCV000128652.36), dbSNP rs147301479, ClinGen allele CA152244.

ClinVar aggregate classification (germline): Benign/Likely benign. Review status: criteria provided, multiple submitters, no conflicts (2 of 4 stars). 6 submissions from 6 submitters: Benign (3); Likely benign (3). Last evaluated 2024-11-27.

Conditions:
Intellectual developmental disorder, autosomal dominant 3. Also called: Intellectual disability, autosomal dominant 3. Identifiers: MedGen C2675488, MONDO:0012946, OMIM 612580.

Allele frequency attached by ClinVar (database versions not stated): 1000 Genomes Project 30x 0.00078; 1000 Genomes Project 0.00100; gnomAD 0.00293; ExAC 0.00305; ESP Exome Variant Server 0.00362; TOPMed 0.00376.
gnomAD v4.1: 8,077 of 1,614,078 alleles (0.5%); highest among the groups gnomAD compares: Middle Eastern, 0.81%; 49 homozygotes.

Submissions (6):

Blueprint Genetics
Classification: Likely benign. Last evaluated: 2024-11-27. Review status: criteria provided, single submitter. Criteria: ACMG Guidelines, 2015. Collection method: clinical testing. Allele origin: germline.

CeGaT Center for Human Genetics Tuebingen
Classification: Likely benign. Last evaluated: 2024-10-01. Review status: criteria provided, single submitter. Criteria: CeGaT Center For Human Genetics Tuebingen Variant Classification Criteria Version 2. Collection method: clinical testing. Allele origin: germline. Affected: yes. Observed: 17 variant alleles.
Comment: CDH15: BP4, BP7, BS2

Fulgent Genetics
Classification: Likely benign for Intellectual developmental disorder, autosomal dominant 3. Last evaluated: 2021-09-10. Review status: criteria provided, single submitter. Criteria: ACMG Guidelines, 2015. Collection method: clinical testing. Allele origin: unknown.

Labcorp Genetics (formerly Invitae), Labcorp
Classification: Benign. Last evaluated: 2019-12-31. Review status: criteria provided, single submitter. Criteria: Invitae Variant Classification Sherloc (09022015). Collection method: clinical testing. Allele origin: germline.

Genetic Services Laboratory, University of Chicago
Classification: Benign. Last evaluated: 2015-12-07. Review status: criteria provided, single submitter. Criteria: ACMG Guidelines, 2015. Collection method: clinical testing. Allele origin: germline. Affected: no.

Breakthrough Genomics
Classification: Benign. Review status: criteria provided, single submitter. Criteria: ACMG Guidelines, 2015. Collection method: not provided. Allele origin: germline. Inheritance: Autosomal dominant inheritance. Affected: yes.